The following is an entry in ClinVar:

ClinVar aggregate classification (germline): Uncertain significance (1 of 4 stars; one submission).

Conditions:
Nephronophthisis 18 (NPHP18). Identifiers: Orphanet 655, MedGen C3890591, MONDO:0014374, OMIM 615862.

Submission:

Labcorp Genetics (formerly Invitae), Labcorp
Classification: Uncertain significance for Nephronophthisis 18. Last evaluated: 2025-03-10. Review status: criteria provided, single submitter. Criteria: Invitae Variant Classification Sherloc (09022015). Collection method: clinical testing. Allele origin: germline.
Comment: This sequence change replaces aspartic acid, which is acidic and polar, with asparagine, which is neutral and polar, at codon 138 of the CEP83 protein (p.Asp138Asn). This variant is not present in population databases (gnomAD no frequency). This variant has not been reported in the literature in individuals affected with CEP83-related conditions. ClinVar contains an entry for this variant (Variation ID: 1059660). Invitae Evidence Modeling of protein sequence and biophysical properties (such as structural, functional, and spatial information, amino acid conservation, physicochemical variation, residue mobility, and thermodynamic stability) indicates that this missense variant is not expected to disrupt CEP83 protein function with a negative predictive value of 80%. In summary, the available evidence is currently insufficient to determine the role of this variant in disease. Therefore, it has been classified as a Variant of Uncertain Significance.

NM_016122.3(CEP83):c.412G>A (p.Asp138Asn)

Gene: CEP83 (centrosomal protein 83; minus strand). Cytogenetic location: 12q22.
Variant type: single nucleotide variant.
Coding change: c.412G>A on transcript NM_016122.3 (MANE Select); coding-DNA position 412, G replaced by A.
Protein change: p.Asp138Asn; replaces aspartic acid 138 with asparagine.
Molecular consequence: missense variant. On other transcripts: non-coding transcript variant (3), intron variant (2).
Genome position (GRCh38, 1-based): chr12:94,403,175, C>T on the plus strand (G>A on the coding strand, the complement: CEP83 is on the minus strand). VCF-style: chr12-94403175-C-T. GRCh37 (hg19) VCF-style: chr12-94796951-C-T.
Other names: c.412G>A, p.Asp138Asn (NM_001042399.2, NM_001346457.2, NM_001346460.2 and 3 more transcripts); c.100G>A, p.Asp34Asn (NM_001346458.2, NM_001346459.2, NM_001346462.2 and 2 more transcripts); c.324+8522G>A (NM_001368041.1); c.12+8522G>A (NM_001368042.1); short protein forms D138N, D34N.
Identifiers: ClinVar variation 1059660 (VCV001059660.7), dbSNP rs2137619045, ClinGen allele CA386143272.
Genomic context (GRCh38, chr12:94,403,175, plus strand): 5'-TCAAGACTTTGATCCCATGAGGATAAATGCATAGTAAACAACATAAGTTACTTACTTCAT[C>T]TAGATTCCTAAAACGTTCTCTCATTGGAGTTTCTAATTCTTGTTGTATTTGGGCTCTTAG-3'
Protein context (NP_057206.2, residues 128-148): TPMRERFRNL[Asp138Asn]EEVEKYRAVY